The following is an entry in ClinVar:

ClinVar aggregate classification (germline): Pathogenic (1 of 4 stars; one submission).

Conditions:
Glycogen storage disease type III (GSD3). Also called: Cori disease; FORBES DISEASE. Identifiers: Orphanet 366, MedGen C0017922, MONDO:0009291, OMIM 232400.

Submission:

Labcorp Genetics (formerly Invitae), Labcorp
Classification: Pathogenic for Glycogen storage disease type III. Last evaluated: 2022-04-24. Review status: criteria provided, single submitter. Criteria: Invitae Variant Classification Sherloc (09022015). Collection method: clinical testing. Allele origin: germline.
Comment: For these reasons, this variant has been classified as Pathogenic. This variant has not been reported in the literature in individuals affected with AGL-related conditions. This variant is not present in population databases (gnomAD no frequency). This sequence change creates a premature translational stop signal (p.Tyr1145Cysfs*21) in the AGL gene. It is expected to result in an absent or disrupted protein product. Loss-of-function variants in AGL are known to be pathogenic (PMID: 19299494).

Literature cited by the submitters: PubMed 19299494.

NM_000642.3(AGL):c.3434_3435del (p.Tyr1145fs)

Gene: AGL (amylo-alpha-1,6-glucosidase and 4-alpha-glucanotransferase; plus strand). Cytogenetic location: 1p21.2.
Variant type: Deletion.
Coding change: c.3434_3435del on transcript NM_000642.3 (MANE Select); coding-DNA positions 3434 to 3435, 2 bases deleted (AT; older notation c.3434_3435delAT).
Protein change: p.Tyr1145fs; shifts the reading frame from tyrosine 1145.
Molecular consequence: frameshift variant.
Genome position (GRCh38, 1-based): chr1:99,900,707-99,900,708, AT deleted; deleting any 2 consecutive bases within chr1:99,900,706-99,900,708 gives the same sequence; the c. name uses the placement nearest the transcript's 3' end. VCF-style (leftmost placement, unchanged base first): chr1-99900705-TTA-T. GRCh37 (hg19) VCF-style: chr1-100366261-TTA-T.
Other names: c.3434_3435delAT, p.Tyr1145Cysfs (NM_000643.3, NM_000028.3, NM_000644.3 and 1 more transcripts); c.3095_3096delAT, p.Tyr1032Cysfs (NM_001425329.1); c.3056_3057delAT, p.Tyr1019Cysfs (NM_001425332.1); c.3386_3387delAT, p.Tyr1129Cysfs (NM_000646.3); c.3413_3414delAT, p.Tyr1138Cysfs (NM_001425326.1); c.3233_3234delAT, p.Tyr1078Cysfs (NM_001425327.1); c.3230_3231delAT, p.Tyr1077Cysfs (NM_001425328.1); short protein forms Y1129fs, Y1145fs.
Identifiers: ClinVar variation 2130201 (VCV002130201.4), dbSNP rs2523714894, ClinGen allele CA2580063592.
Genomic context (GRCh38, chr1:99,900,705, plus strand): 5'-TTTAGCATTTGCGGGTACCCTGAGGCATGGTCTCATTCCTAATCTACTGGGTGAAGGAAT[TTA>T]TGCCAGATACAATTGTCGGGATGCTGTGTGGTGGTGGCTGCAGTGTATCCAGGATTACTG-3'